The following is an entry in ClinVar:

NM_000302.4(PLOD1):c.155A>G (p.Asn52Ser)

Gene: PLOD1 (procollagen-lysine,2-oxoglutarate 5-dioxygenase 1; plus strand). Cytogenetic location: 1p36.22.
Variant type: single nucleotide variant.
Coding change: c.155A>G on transcript NM_000302.4 (MANE Select); coding-DNA position 155, A replaced by G.
Protein change: p.Asn52Ser; replaces asparagine 52 with serine.
Molecular consequence: missense variant.
Genome position (GRCh38, 1-based): chr1:11,948,054, A>G. VCF-style: chr1-11948054-A-G. GRCh37 (hg19) VCF-style: chr1-12008111-A-G.
Other names: c.296A>G, p.Asn99Ser (NM_001316320.2); short protein forms N99S, N52S.
Identifiers: ClinVar variation 2565000 (VCV002565000.2), dbSNP rs1645669185, ClinGen allele CA338425883.

ClinVar aggregate classification (germline): Uncertain significance (1 of 4 stars; one submission).

Conditions:
Familial thoracic aortic aneurysm and aortic dissection (TAAD). Also called: Thoracic aortic aneurysms and dissections. Identifiers: Orphanet 91387, MedGen C4707243, MONDO:0019625.

Allele frequency attached by ClinVar (database versions not stated): TOPMed below 0.00001.

Submission:

Ambry Genetics
Classification: Uncertain significance for Familial thoracic aortic aneurysm and aortic dissection. Last evaluated: 2023-04-16. Review status: criteria provided, single submitter. Criteria: Ambry Variant Classification Scheme 2023. Collection method: clinical testing. Allele origin: germline.
Comment: The p.N52S variant (also known as c.155A>G), located in coding exon 2 of the PLOD1 gene, results from an A to G substitution at nucleotide position 155. The asparagine at codon 52 is replaced by serine, an amino acid with highly similar properties. This amino acid position is conserved. In addition, this alteration is predicted to be tolerated by in silico analysis. Since supporting evidence is limited at this time, the clinical significance of this alteration remains unclear.